The following is an entry in ClinVar:

NM_001195553.2(DCX):c.973T>A (p.Ser325Thr)

Gene: DCX (doublecortin; minus strand). Cytogenetic location: Xq23.
Variant type: single nucleotide variant.
Coding change: c.973T>A on transcript NM_001195553.2 (MANE Select); coding-DNA position 973, T replaced by A.
Protein change: p.Ser325Thr; replaces serine 325 with threonine.
Molecular consequence: missense variant. On other transcripts: intron variant (2).
Genome position (GRCh38, 1-based): chrX:111,312,710, A>T on the plus strand (T>A on the coding strand, the complement: DCX is on the minus strand). VCF-style: chrX-111312710-A-T. GRCh37 (hg19) VCF-style: chrX-110555938-A-T.
Other names: c.1201T>A, p.Ser401Thr (NM_000555.3); c.973T>A, p.Ser325Thr (NM_001369370.1, NM_001369371.1, NM_178152.3); c.958T>A, p.Ser320Thr (NM_001369372.1, NM_178151.3, NM_178153.3); c.932-10967T>A (NM_001369373.1, NM_001369374.1); short protein forms S325T, S401T, S320T.
Identifiers: ClinVar variation 2126100 (VCV002126100.4), dbSNP rs2524650713, ClinGen allele CA414238171.

ClinVar aggregate classification (germline): Uncertain significance (1 of 4 stars; one submission).

Submission:

Labcorp Genetics (formerly Invitae), Labcorp
Classification: Uncertain significance. Last evaluated: 2023-12-11. Review status: criteria provided, single submitter. Criteria: Invitae Variant Classification Sherloc (09022015). Collection method: clinical testing. Allele origin: germline.
Comment: This sequence change replaces serine, which is neutral and polar, with threonine, which is neutral and polar, at codon 320 of the DCX protein (p.Ser320Thr). This variant is not present in population databases (gnomAD no frequency). This variant has not been reported in the literature in individuals affected with DCX-related conditions. ClinVar contains an entry for this variant (Variation ID: 2126100). Advanced modeling of protein sequence and biophysical properties (such as structural, functional, and spatial information, amino acid conservation, physicochemical variation, residue mobility, and thermodynamic stability) performed at Invitae indicates that this missense variant is not expected to disrupt DCX protein function with a negative predictive value of 80%. In summary, the available evidence is currently insufficient to determine the role of this variant in disease. Therefore, it has been classified as a Variant of Uncertain Significance.